The following continues an entry in ClinVar:

NM_000059.4(BRCA2):c.9154C>T (p.Arg3052Trp)

Gene: BRCA2. ClinVar aggregate classification (germline): Pathogenic. Pathogenic (1).

Submissions 8 to 18 of 41:

All of Us Research Program, National Institutes of Health
Classification: Pathogenic for BRCA2-related cancer predisposition. Last evaluated: 2024-09-03. Review status: criteria provided, single submitter. Criteria: ACMG Guidelines, 2015. Collection method: clinical testing. Allele origin: germline. Inheritance: Autosomal dominant inheritance. Observed: 6 variant alleles, 6 heterozygotes. Not counted in ClinVar's aggregate classification.
Comment: This missense variant replaces arginine with tryptophan at codon 3052 of the BRCA2 protein. Computational prediction suggests that this variant may have deleterious impact on protein structure and function (internally defined REVEL score threshold >= 0.7, PMID: 27666373). Functional studies have shown that the variant protein is defective in homology-directed DNA repair and fails to complement BRCA2-deficient mouse embryonic stem cells (PMID: 18451181, 18607349, 24323938, 29394989, 35711920). This variant has been reported in over 12 individuals affected with breast or ovarian cancer and in 1 unaffected individual (PMID: 18451181, 24728189, 25682074, 26221963, 28724667, 33471991). This variant has been reported in several families affected with hereditary breast and ovarian cancer (PMID: 19200354, 25556971) and has been identified in 22 families among the CIMBA participants (PMID: 29446198). It has been shown that this variant segregates with disease with a likelihood ratio of 3.6 from 10 carrier families (PMID: 18451181). This variant has been identified in 3/251190 chromosomes in the general population by the Genome Aggregation Database (gnomAD). Based on the available evidence, this variant is classified as Pathogenic.

This study involves interpretation of variants in research participants for the purpose of population health screening. Participant phenotype was not available at the time of variant classification. Additional details can be found in publication PMID: 35346344, PMCID: PMC8962531

ARUP Laboratories, Molecular Genetics and Genomics, ARUP Laboratories
Classification: Pathogenic. Last evaluated: 2024-07-14. Review status: criteria provided, single submitter. Criteria: ARUP Molecular Germline Variant Investigation Process 2024. Collection method: clinical testing. Allele origin: germline. Not counted in ClinVar's aggregate classification.
Comment: The BRCA2 c.9154C>T; p.Arg3052Trp variant (rs45580035) is reported in the medical literature in individuals and families with breast cancer (Farrugia 2008, Lindor 2012, Pruss 2014, Shimelis 2017). The variant is also reported in ClinVar (Variation ID: 52763), but is only observed on three alleles in the Genome Aggregation Database, indicating it is not a common polymorphism. The arginine at codon 3052 is highly conserved, and computational analyses predict that this variant is deleterious (REVEL: 0.821). Additionally, functional studies demonstrate reduced protein function (Farrugia 2008, Kuznetsov 2008) and odds ratio calculations conclude this variant is pathogenic (Farrugia 2008, Lindor 2012, Pruss 2014, Shimelis 2017). Considering available information, this variant is classified as pathogenic. References: Farrugia DJ et al. Functional assays for classification of BRCA2 variants of uncertain significance. Cancer Res. 2008 May 1;68(9):3523-31. Kuznetsov SG et al. Mouse embryonic stem cell-based functional assay to evaluate mutations in BRCA2. Nat Med. 2008 Aug;14(8):875-81. Lindor NM et al. A review of a multifactorial probability-based model for classification of BRCA1 and BRCA2 variants of uncertain significance (VUS). Hum Mutat. 2012 Jan;33(1):8-21. Pruss D et al. Development and validation of a new algorithm for the reclassification of genetic variants identified in the BRCA1 and BRCA2 genes. Breast Cancer Res Treat. 2014 Aug;147(1):119-32. Shimelis H et al. BRCA2 Hypomorphic Missense Variants Confer Moderate Risks of Breast Cancer. Cancer Res. 2017 Jun 1;77(11):2789-2799.

Blueprint Genetics
Classification: Pathogenic for BRCA2-related disorders. Last evaluated: 2024-07-08. Review status: criteria provided, single submitter. Criteria: ACMG Guidelines, 2015. Collection method: clinical testing. Allele origin: germline. Affected: yes. Observed: 2 variant alleles. Not counted in ClinVar's aggregate classification.

Department of Clinical Genetics, Copenhagen University Hospital, Rigshospitalet
Classification: Pathogenic for Breast-ovarian cancer, familial, susceptibility to, 2. Last evaluated: 2024-05-27. Review status: criteria provided, single submitter. Criteria: ACMG Guidelines, 2015. Collection method: clinical testing. Allele origin: germline. Affected: yes. Not counted in ClinVar's aggregate classification.
Comment: PS3; PP3; PP1; Expert panel

Color Diagnostics, LLC DBA Color Health
Classification: Pathogenic for Hereditary cancer-predisposing syndrome. Last evaluated: 2024-03-25. Review status: criteria provided, single submitter. Criteria: ACMG Guidelines, 2015. Collection method: clinical testing. Allele origin: germline. Not counted in ClinVar's aggregate classification.
Comment: This missense variant replaces arginine with tryptophan at codon 3052 of the BRCA2 protein. Computational prediction suggests that this variant may have deleterious impact on protein structure and function. Functional studies have shown that the variant protein is defective in homology-directed DNA repair and fails to complement BRCA2-deficient mouse embryonic stem cells (PMID: 18451181, 18607349, 24323938, 29394989, 35711920). This variant has been reported in over 12 individuals affected with breast or ovarian cancer and in 1 unaffected individual (PMID: 18451181, 24728189, 25682074, 26221963, 28724667, 33471991). This variant has been reported in several families affected with hereditary breast and ovarian cancer (PMID: 19200354, 25556971) and has been identified in 22 families among the CIMBA participants (PMID: 29446198). It has been shown that this variant segregates with disease with a likelihood ratio of 3.6 from 10 carrier families (PMID: 18451181). This variant has been identified in 3/251190 chromosomes in the general population by the Genome Aggregation Database (gnomAD). Based on the available evidence, this variant is classified as Pathogenic.

Baylor Genetics
Classification: Pathogenic for Familial cancer of breast. Last evaluated: 2024-02-23. Review status: criteria provided, single submitter. Criteria: ACMG Guidelines, 2015. Collection method: clinical testing. Allele origin: unknown. Not counted in ClinVar's aggregate classification.

Clinical Genetics Laboratory, Skane University Hospital Lund
Classification: Pathogenic. Last evaluated: 2024-02-16. Review status: criteria provided, single submitter. Criteria: ACMG Guidelines, 2015. Collection method: clinical testing. Allele origin: germline. Affected: yes. Not counted in ClinVar's aggregate classification.

Mayo Clinic Laboratories, Mayo Clinic
Classification: Pathogenic. Last evaluated: 2024-02-12. Review status: criteria provided, single submitter. Criteria: ACMG Guidelines, 2015. Collection method: clinical testing. Allele origin: germline. Observed: 1 variant allele. Not counted in ClinVar's aggregate classification.
Comment: PP1_strong, PP3, PP4_moderate, PS3

GeneDx
Classification: Pathogenic. Last evaluated: 2023-08-27. Review status: criteria provided, single submitter. Criteria: GeneDx Variant Classification Process June 2021. Collection method: clinical testing. Allele origin: germline. Affected: yes. Not counted in ClinVar's aggregate classification.
Comment: Published functional studies demonstrate a damaging effect: impaired homology directed repair activity and cell survival, and increased sensitivity to PARP inhibitors (Farrugia et al., 2008; Kuznetsov et al., 2008; Guidugli et al., 2013; Cunningham et al., 2014; Hendriks et al., 2014; Shimelis et al., 2017; Guidugli et al., 2018; Hart et al., 2019; Ikegami et al., 2020); Observed in individuals with breast or ovarian cancer and reported to segregate with disease in affected family members (Mohammadi et al., 2009; Borg et al., 2010; Capanu et al., 2011; Cunningham et al., 2014; Song et al., 2014; Li et al., 2018); Multifactorial studies suggest this variant is associated with hereditary breast and ovarian cancer (Lindor et al., 2012); Not observed at significant frequency in large population cohorts (gnomAD); In silico analysis supports that this missense variant does not alter protein structure/function; Also known as 9382C>T; This variant is associated with the following publications: (PMID: 18607349, 19043619, 29555025, 28277317, 29176636, 21520273, 25556971, 26221963, 31565484, 30720243, 30078507, 31360874, 20513136, 25782689, 24504028, 24323938, 24728189, 23231788, 21702907, 19200354, 26026974, 20104584, 21120943, 24963051, 19563646, 23108138, 25146914, 18451181, 28199314, 28279176, 28283652, 28487467, 28724667, 25085752, 29339979, 29988080, 29922827, 30728895, 29907814, 26845104, 29446198, 30702160, 29607586, 31159747, 32444794, 34597585, 31980526, 30787465, 35273153, 31907386, 32438681, 29884136, 35264596, 35736817, 33609447, 32853339, 29884841, 31825140, 34399810, 33629534, 35711920, 12228710, 35665744, 21990134, 29394989)

KCCC/NGS Laboratory, Kuwait Cancer Control Center
Classification: Pathogenic for Breast-ovarian cancer, familial, susceptibility to, 2. Last evaluated: 2023-06-06. Review status: criteria provided, single submitter. Criteria: ACMG Guidelines, 2015. Collection method: clinical testing. Allele origin: germline. Affected: yes. Not counted in ClinVar's aggregate classification.
Comment: BRCA2 (p.Arg3052Trp): This sequence change results in a non-conservative amino acid change located in the OB3 domain of the encoded protein sequence. In-silico prediction show pathogenic computational verdict based on 8 pathogenic predictions from BayesDel_addAF, DANN, FATHMM-MKL, M-CAP, MVP, MutationTaster, REVEL and SIFT vs 2 benign predictions from EIGEN and PrimateAI. It has been reported in the literature in multiple individuals affected with Hereditary Breast and Ovarian Cancer Syndrome (PMID: 20513136 and 23108138). Functional analyses of this variant are published (PMID: 18451181, 23108138, 25146914, 18607349) describing it as deleterious. ClinVar has an entry for this variant (ClinVar 52763) with 25 submissions, all described it as pathogenic, 3 stars, no conflict, and reviewed by an expert panel. Therefore, this variant was classified as pathogenic.

National Health Laboratory Service, Universitas Academic Hospital and University of the Free State
Classification: Pathogenic for Hereditary breast ovarian cancer syndrome. Last evaluated: 2022-04-19. Review status: criteria provided, single submitter. Criteria: ACMG Guidelines, 2015. Collection method: clinical testing. Allele origin: germline. Affected: yes. Observed: 1 variant allele. Not counted in ClinVar's aggregate classification.